The following is an entry in ClinVar:

ClinVar aggregate classification (germline): Uncertain significance (1 of 4 stars; one submission).

Conditions:
Encephalopathy, acute, infection-induced (herpes-specific), susceptibility to, 1. Also called: Herpes simplex encephalitis, susceptibility to, 1. Identifiers: Orphanet 1930, MedGen C2750180, MONDO:0024563, OMIM 610551.

Submission:

Labcorp Genetics (formerly Invitae), Labcorp
Classification: Uncertain significance for Encephalopathy, acute, infection-induced (herpes-specific), susceptibility to, 1. Last evaluated: 2022-01-19. Review status: criteria provided, single submitter. Criteria: Invitae Variant Classification Sherloc (09022015). Collection method: clinical testing. Allele origin: germline.
Comment: This sequence change replaces isoleucine, which is neutral and non-polar, with threonine, which is neutral and polar, at codon 422 of the TLR3 protein (p.Ile422Thr). This variant is not present in population databases (gnomAD no frequency). This variant has not been reported in the literature in individuals affected with TLR3-related conditions. Algorithms developed to predict the effect of missense changes on protein structure and function (SIFT, PolyPhen-2, Align-GVGD) all suggest that this variant is likely to be disruptive. Algorithms developed to predict the effect of sequence changes on RNA splicing suggest that this variant may create or strengthen a splice site. In summary, the available evidence is currently insufficient to determine the role of this variant in disease. Therefore, it has been classified as a Variant of Uncertain Significance.

NM_003265.3(TLR3):c.1265T>C (p.Ile422Thr)

Gene: TLR3 (toll like receptor 3; plus strand). Cytogenetic location: 4q35.1.
Variant type: single nucleotide variant.
Coding change: c.1265T>C on transcript NM_003265.3 (MANE Select); coding-DNA position 1265, T replaced by C.
Protein change: p.Ile422Thr; replaces isoleucine 422 with threonine.
Molecular consequence: missense variant.
Genome position (GRCh38, 1-based): chr4:186,082,951, T>C. VCF-style: chr4-186082951-T-C. GRCh37 (hg19) VCF-style: chr4-187004105-T-C.
Other names: short protein forms I422T.
Identifiers: ClinVar variation 2088193 (VCV002088193.4), dbSNP rs2150067869, ClinGen allele CA358931646.
Genomic context (GRCh38, chr4:186,082,951, plus strand): 5'-TATCACTTGCTCATTCTCCCTTACACATACTCAACCTAACCAAGAATAAAATCTCAAAAA[T>C]AGAGAGTGATGCTTTCTCTTGGTTGGGCCACCTAGAAGTACTTGACCTGGGCCTTAATGA-3'
Protein context (NP_003256.1, residues 412-432): LNLTKNKISK[Ile422Thr]ESDAFSWLGH